The following is an entry in ClinVar:

NM_015046.7(SETX):c.*562C>A

Gene: SETX (senataxin; minus strand). Cytogenetic location: 9q34.13.
Variant type: single nucleotide variant.
Coding change: c.*562C>A on transcript NM_015046.7 (MANE Select); 562 bases downstream of the stop codon, C replaced by A.
Molecular consequence: 3 prime UTR variant.
Genome position (GRCh38, 1-based): chr9:132,263,677, G>T on the plus strand (C>A on the coding strand, the complement: SETX is on the minus strand). VCF-style: chr9-132263677-G-T. GRCh37 (hg19) VCF-style: chr9-135139064-G-T.
Other names: c.*562C>A (NM_001351527.2, NM_001351528.2).
Identifiers: ClinVar variation 365329 (VCV000365329.6), dbSNP rs11787894, ClinGen allele CA10626627.

ClinVar aggregate classification (germline): Benign. Review status: criteria provided, multiple submitters, no conflicts (2 of 4 stars). 3 submissions from 2 submitters: Benign (3). Last evaluated 2018-01-12.

Conditions:
Amyotrophic lateral sclerosis type 4 (ALS4). Also called: AMYOTROPHIC LATERAL SCLEROSIS 4, JUVENILE; NEURONOPATHY, DISTAL HEREDITARY MOTOR, WITH PYRAMIDAL FEATURES. Identifiers: Orphanet 357043, MedGen C1865409, MONDO:0011223, OMIM 602433.
Spinocerebellar ataxia, autosomal recessive, with axonal neuropathy 2 (SCAN2). Also called: ATAXIA-OCULOMOTOR APRAXIA 2; Ataxia-ocular apraxia-2; Ataxia with Oculomotor Apraxia; Ataxia with Oculomotor Apraxia Type 2. Identifiers: Orphanet 64753, MedGen C1853761, MONDO:0018996, OMIM 606002.

Allele frequency attached by ClinVar (database versions not stated): gnomAD exomes 0.08595; gnomAD 0.16282 and 0.16457; TOPMed 0.16992; 1000 Genomes Project 30x 0.17630; 1000 Genomes Project 0.18131.
gnomAD v4.1: 25,047 of 153,372 alleles (16%); highest among the groups gnomAD compares: East Asian, 29%; 2,107 homozygotes.

Submissions (3):

Illumina Laboratory Services, Illumina
Classification: Benign for Spinocerebellar ataxia, autosomal recessive, with axonal neuropathy 2. Last evaluated: 2018-01-12. Review status: criteria provided, single submitter. Criteria: ICSL Variant Classification Criteria 13 December 2019. Collection method: clinical testing. Allele origin: germline.
Comment: This variant was observed in the ICSL laboratory as part of a predisposition screen in an ostensibly healthy population. It had not been previously curated by ICSL or reported in the Human Gene Mutation Database (HGMD: prior to June 1st, 2018), and was therefore a candidate for classification through an automated scoring system. Utilizing variant allele frequency, disease prevalence and penetrance estimates, and inheritance mode, an automated score was calculated to assess if this variant is too frequent to cause the disease. Based on the score and internal cut-off values, a variant classified as benign is not then subjected to further curation. The score for this variant resulted in a classification of benign for this disease.

Illumina Laboratory Services, Illumina
Classification: Benign for Amyotrophic lateral sclerosis type 4. Last evaluated: 2018-01-12. Review status: criteria provided, single submitter. Criteria: ICSL Variant Classification Criteria 13 December 2019. Collection method: clinical testing. Allele origin: germline.
Comment: the same text as in the submission from Illumina Laboratory Services, Illumina above.

Breakthrough Genomics
Classification: Benign. Review status: criteria provided, single submitter. Criteria: ACMG Guidelines, 2015. Collection method: not provided. Allele origin: germline. Inheritance: Autosomal recessive inheritance. Affected: yes.